The following is an entry in ClinVar:

NM_001385012.1(NBEA):c.4614T>G (p.Leu1538=)

Gene: NBEA (neurobeachin; plus strand). Cytogenetic location: 13q13.3.
Variant type: single nucleotide variant.
Coding change: c.4614T>G on transcript NM_001385012.1 (MANE Select); coding-DNA position 4614, T replaced by G.
Protein change: p.Leu1538=; no amino-acid change (leucine 1538 retained).
Molecular consequence: synonymous variant.
Genome position (GRCh38, 1-based): chr13:35,177,055, T>G. VCF-style: chr13-35177055-T-G. GRCh37 (hg19) VCF-style: chr13-35751192-T-G.
Other names: c.4605T>G, p.Leu1535= (NM_001379245.1); c.4614T>G, p.Leu1538= (NM_015678.5); c.4614T>G (NM_015678.4).
Identifiers: ClinVar variation 3025544 (VCV003025544.24), dbSNP rs181180541, ClinGen allele CA6946914.
Genomic context (GRCh38, chr13:35,177,055, plus strand): 5'-GACTCCATTGGAAAATGTTCCAGGTAACCTTTCTCCTATTAAGGATCCGGATAGACTTCT[T>G]CAGGATGTTGATATCAATCGCCTTCGTGCTGTTGTCTTTCGGGATGTGGTAAGTTATACC-3'
Protein context (NP_001371941.1, residues 1528-1548): LSPIKDPDRL[Leu1538=]QDVDINRLRA

ClinVar aggregate classification (germline): Likely benign. Review status: criteria provided, multiple submitters, no conflicts (2 of 4 stars). 3 submissions from 3 submitters: Likely benign (2). 1 of the submissions does not count toward it. Last evaluated 2025-02-01.

Conditions:
NBEA-related disorder. Also called: NBEA-related condition.

Allele frequency attached by ClinVar (database versions not stated): gnomAD exomes 0.00026; ExAC 0.00114; 1000 Genomes Project 30x 0.00141; 1000 Genomes Project 0.00180.
gnomAD v4.1: 429 of 1,606,194 alleles (0.027%); highest among the groups gnomAD compares: East Asian, 0.65%; 4 homozygotes.

Submissions (3):

CeGaT Center for Human Genetics Tuebingen
Classification: Likely benign. Last evaluated: 2025-02-01. Review status: criteria provided, single submitter. Criteria: CeGaT Center For Human Genetics Tuebingen Variant Classification Criteria Version 2. Collection method: clinical testing. Allele origin: germline. Affected: yes. Observed: 3 variant alleles.
Comment: NBEA: BP4, BP7

Blueprint Genetics
Classification: Likely benign. Last evaluated: 2024-08-22. Review status: criteria provided, single submitter. Criteria: ACMG Guidelines, 2015. Collection method: clinical testing. Allele origin: germline.

PreventionGenetics, part of Exact Sciences
Classification: Benign for NBEA-related condition. Last evaluated: 2019-09-13. Review status: no assertion criteria provided. Collection method: clinical testing. Allele origin: germline. Not counted in ClinVar's aggregate classification.
Comment: This variant is classified as benign based on ACMG/AMP sequence variant interpretation guidelines (Richards et al. 2015 PMID: 25741868, with internal and published modifications).